The following is an entry in ClinVar:

ClinVar aggregate classification (germline): Conflicting classifications of pathogenicity. Review status: criteria provided, conflicting classifications (1 of 4 stars). 3 submissions from 3 submitters: Likely pathogenic (2); Uncertain significance (1). Last evaluated 2026-04-15.

Conditions:
CDC42BPB-related disorder.
Chilton-Okur-Chung neurodevelopmental syndrome (CHOCNS). Identifiers: MedGen C5677022, MONDO:0859239, OMIM 619841.

Submissions (3):

GeneDx
Classification: Likely pathogenic. Last evaluated: 2026-04-15. Review status: criteria provided, single submitter. Criteria: GeneDx Variant Classification Process June 2021. Collection method: clinical testing. Allele origin: germline.
Comment: Frameshift variant predicted to result in protein truncation or nonsense mediated decay in a gene for which loss of function is a known mechanism of disease; Not observed at significant frequency in large population cohorts (gnomAD); Has not been previously published as pathogenic or benign to our knowledge

PreventionGenetics, part of Exact Sciences
Classification: Uncertain significance for CDC42BPB-related condition. Last evaluated: 2024-12-14. Review status: criteria provided, single submitter. Criteria: ACMG Guidelines, 2015. Collection method: clinical testing. Allele origin: germline.
Comment: The CDC42BPB c.2758_2759delGA variant is predicted to result in a frameshift and premature protein termination (p.Glu920Ilefs*33). To our knowledge, this variant has not been reported in the literature or in a large population database, indicating this variant is rare. In ClinVar, this variant is interpreted as likely pathogenic. Loss of function in CDC42BPB has not been conclusively established as a mechanism of disease. Although we suspect that this variant may be pathogenic, at this time, the clinical significance of this variant is uncertain due to the absence of conclusive functional and genetic evidence.

Baylor Genetics
Classification: Likely pathogenic for Chilton-Okur-Chung neurodevelopmental syndrome. Last evaluated: 2024-03-14. Review status: criteria provided, single submitter. Criteria: ACMG Guidelines, 2015. Collection method: clinical testing. Allele origin: unknown.

NM_006035.4(CDC42BPB):c.2758_2759del (p.Glu920fs)

Gene: CDC42BPB (CDC42 binding protein kinase beta; minus strand). Cytogenetic location: 14q32.32.
Variant type: Microsatellite.
Coding change: c.2758_2759del on transcript NM_006035.4 (MANE Select); coding-DNA positions 2758 to 2759, 2 bases deleted (GA; older notation c.2758_2759delGA).
Protein change: p.Glu920fs; shifts the reading frame from glutamic acid 920.
Molecular consequence: frameshift variant.
Genome position (GRCh38, 1-based): chr14:102,963,123-102,963,124, TC deleted on the plus strand (GA on the coding strand, the reverse complement: CDC42BPB is on the minus strand); deleting any 2 consecutive bases within chr14:102,963,123-102,963,127 gives the same sequence; the c. name uses the placement nearest the transcript's 3' end. VCF-style (leftmost placement, unchanged base first): chr14-102963122-TTC-T. GRCh37 (hg19) VCF-style: chr14-103429459-TTC-T.
Other names: c.2758_2759del, p.Glu920fs (NM_001411054.1); c.2758_2759del (NM_006035.3); c.2758_2759delGA (NM_006035.3); short protein forms E920fs.
Identifiers: ClinVar variation 3238803 (VCV003238803.4), dbSNP rs2542842943.